The following is an entry in ClinVar:

ClinVar aggregate classification (germline): Benign/Likely benign. Review status: criteria provided, multiple submitters, no conflicts (2 of 4 stars). 4 submissions from 4 submitters: Benign (1); Likely benign (2). 1 of the submissions does not count toward it. Last evaluated 2024-11-18.

Conditions:
DYRK1B-related disorder. Also called: DYRK1B-related condition.

Allele frequency attached by ClinVar (database versions not stated): 1000 Genomes Project 30x 0.00016; 1000 Genomes Project 0.00020; gnomAD 0.00025 and 0.00027; TOPMed 0.00028; ESP Exome Variant Server 0.00038.
gnomAD v4.1: 391 of 1,613,730 alleles (0.024%); highest among the groups gnomAD compares: Admixed American, 0.1%; no homozygotes.

Submissions (4):

Blueprint Genetics
Classification: Likely benign. Last evaluated: 2024-11-18. Review status: criteria provided, single submitter. Criteria: ACMG Guidelines, 2015. Collection method: clinical testing. Allele origin: germline.

Labcorp Genetics (formerly Invitae), Labcorp
Classification: Benign. Last evaluated: 2023-08-20. Review status: criteria provided, single submitter. Criteria: Invitae Variant Classification Sherloc (09022015). Collection method: clinical testing. Allele origin: germline.

Genetic Services Laboratory, University of Chicago
Classification: Likely benign. Last evaluated: 2021-10-19. Review status: criteria provided, single submitter. Criteria: ACMG Guidelines, 2015. Collection method: clinical testing. Allele origin: germline. Affected: no.

PreventionGenetics, part of Exact Sciences
Classification: Likely benign for DYRK1B-related condition. Last evaluated: 2021-09-14. Review status: no assertion criteria provided. Collection method: clinical testing. Allele origin: germline. Not counted in ClinVar's aggregate classification.
Comment: This variant is classified as likely benign based on ACMG/AMP sequence variant interpretation guidelines (Richards et al. 2015 PMID: 25741868, with internal and published modifications).

NM_004714.3(DYRK1B):c.1002C>T (p.Ala334=)

Gene: DYRK1B (dual specificity tyrosine phosphorylation regulated kinase 1B; minus strand). Cytogenetic location: 19q13.2.
Variant type: single nucleotide variant.
Coding change: c.1002C>T on transcript NM_004714.3 (MANE Select); coding-DNA position 1002, C replaced by T.
Protein change: p.Ala334=; no amino-acid change (alanine 334 retained).
Molecular consequence: synonymous variant.
Genome position (GRCh38, 1-based): chr19:39,827,378, G>A on the plus strand (C>T on the coding strand, the complement: DYRK1B is on the minus strand). VCF-style: chr19-39827378-G-A. GRCh37 (hg19) VCF-style: chr19-40318018-G-A.
Other names: c.1002C>T, p.Ala334= (NM_006483.3, NM_006484.3).
Identifiers: ClinVar variation 1338048 (VCV001338048.10), dbSNP rs146996483, ClinGen allele CA9434147.